The following is an entry in ClinVar:

ClinVar aggregate classification (germline): Conflicting classifications of pathogenicity. Review status: criteria provided, conflicting classifications (1 of 4 stars). 7 submissions from 7 submitters: Uncertain significance (1); Benign (2); Likely benign (4). Last evaluated 2026-05-12.

Conditions:
Epiphyseal dysplasia, multiple, 2 (EDM2). Also called: COL9A2-Related Multiple Epiphyseal Dysplasia. Identifiers: MedGen C1838429, MONDO:0010844, OMIM 600204.

Allele frequency attached by ClinVar (database versions not stated): gnomAD exomes 0.00044; ExAC 0.00051; 1000 Genomes Project 0.00100; 1000 Genomes Project 30x 0.00109; gnomAD 0.00153 and 0.00168; TOPMed 0.00167; ESP Exome Variant Server 0.00215.
gnomAD v4.1: 504 of 1,614,084 alleles (0.031%); highest among the groups gnomAD compares: African/African-American, 0.55%; 1 homozygote.

Submissions (7):

Women's Health and Genetics/Laboratory Corporation of America, LabCorp
Classification: Likely benign. Last evaluated: 2026-05-12. Review status: criteria provided, single submitter. Criteria: LabCorp Variant Classification Summary - May 2015. Collection method: clinical testing. Allele origin: germline.

Labcorp Genetics (formerly Invitae), Labcorp
Classification: Benign. Last evaluated: 2026-01-26. Review status: criteria provided, single submitter. Criteria: Invitae Variant Classification Sherloc (09022015). Collection method: clinical testing. Allele origin: germline.

Blueprint Genetics
Classification: Likely benign. Last evaluated: 2024-02-27. Review status: criteria provided, single submitter. Criteria: ACMG Guidelines, 2015. Collection method: clinical testing. Allele origin: germline.

GeneDx
Classification: Likely benign. Last evaluated: 2021-08-10. Review status: criteria provided, single submitter. Criteria: GeneDx Variant Classification Process June 2021. Collection method: clinical testing. Allele origin: germline. Affected: yes.

Illumina Laboratory Services, Illumina
Classification: Benign for Epiphyseal dysplasia, multiple, 2. Last evaluated: 2018-01-12. Review status: criteria provided, single submitter. Criteria: ICSL Variant Classification Criteria 13 December 2019. Collection method: clinical testing. Allele origin: germline.
Comment: This variant was observed in the ICSL laboratory as part of a predisposition screen in an ostensibly healthy population. It had not been previously curated by ICSL or reported in the Human Gene Mutation Database (HGMD: prior to June 1st, 2018), and was therefore a candidate for classification through an automated scoring system. Utilizing variant allele frequency, disease prevalence and penetrance estimates, and inheritance mode, an automated score was calculated to assess if this variant is too frequent to cause the disease. Based on the score and internal cut-off values, a variant classified as benign is not then subjected to further curation. The score for this variant resulted in a classification of benign for this disease.

Eurofins Ntd Llc (ga)
Classification: Uncertain significance. Last evaluated: 2015-01-06. Review status: criteria provided, single submitter. Criteria: EGL Classification Definitions 2015. Collection method: clinical testing. Allele origin: germline. Observed: 1 variant allele, 1 heterozygote.

PreventionGenetics, part of Exact Sciences
Classification: Likely benign. Review status: criteria provided, single submitter. Criteria: ACMG Guidelines, 2015. Collection method: clinical testing. Allele origin: germline.

NM_001852.4(COL9A2):c.2019G>A (p.Ser673=)

Gene: COL9A2 (collagen type IX alpha 2 chain; minus strand). Cytogenetic location: 1p34.2.
Variant type: single nucleotide variant.
Coding change: c.2019G>A on transcript NM_001852.4 (MANE Select); coding-DNA position 2019, G replaced by A.
Protein change: p.Ser673=; no amino-acid change (serine 673 retained).
Molecular consequence: synonymous variant.
Genome position (GRCh38, 1-based): chr1:40,301,233, C>T on the plus strand (G>A on the coding strand, the complement: COL9A2 is on the minus strand). VCF-style: chr1-40301233-C-T. GRCh37 (hg19) VCF-style: chr1-40766905-C-T.
Identifiers: ClinVar variation 196777 (VCV000196777.23), dbSNP rs148008235, ClinGen allele CA244148.